The following is an entry in ClinVar:

ClinVar aggregate classification (germline): Pathogenic. Review status: reviewed by expert panel (3 of 4 stars). 2 submissions from 2 submitters: Pathogenic (1). 1 of the submissions does not count toward it. Last evaluated 2024-03-06.

Conditions:
Glycogen storage disease, type II (IOPD). Also called: CARDIOMEGALIA GLYCOGENICA DIFFUSA; GLYCOGENOSIS, GENERALIZED, CARDIAC FORM; GSD II; POMPE DISEASE, INFANTILE-ONSET; GLYCOGEN STORAGE DISEASE II, INFANTILE-ONSET; ACID ALPHA-GLUCOSIDASE DEFICIENCY, INFANTILE-ONSET. Identifiers: Orphanet 365, MedGen C0017921, MONDO:0009290, OMIM 232300.

Submissions (2):

ClinGen Lysosomal Storage Disorder Variant Curation Expert Panel
Classification: Pathogenic for Glycogen storage disease, type II. Last evaluated: 2024-03-06. Review status: reviewed by expert panel. Criteria: clingen_lsd_acmg_specifications_v2-1. Collection method: curation. Allele origin: germline. Inheritance: Autosomal recessive inheritance.
Comment: The NM_000152.5:c.971dupC (p.Ser325GlufsTer5) variant in GAA is a frameshift variant predicted to cause a premature stop codon in biologically-relevant-exon 6 out of 20, leading to nonsense mediated decay in a gene in which loss-of-function is an established disease mechanism (PVS1). One patient reported to have infantile-onset Pompe disease is compound heterozygous for the variant and a variant that has been classified as pathogenic by the ClinGen Lysosomal Diseases VCEP, c.1802C>T (p.Ser601Leu) (ClinVar Variation ID: 194154; SCV002032130.1); the phase is unconfirmed (PMID: 28394184) (PM3_Supporting). There is insufficient data to apply PP4. The variant is absent in gnomAD v2.1.1. (PM2_Supporting). In summary, this variant meets the criteria to be classified as pathogenic for Pompe disease. Initially, the variant was classified a likely pathogenic by the ClinGen Lysosomal Diseases VCEP on August 17, 2021, but it was reclassified as pathogenic on Jan 15, 2024, due to the application of PM3_Supporting. GAA-specific ACMG/AMP criteria met, as specified by the ClinGen Lysosomal Diseases Variant Curation Expert Panel (Specifications Version 2.0): PVS1, PM2_Supporting, PM3_Supporting. (Classification approved by the ClinGen Lysosomal Diseases Variant Curation Expert Panel on Feb 6, 2024).

Genomenon, Inc
Classification: Pathogenic for Glycogen storage disease, type II. Last evaluated: 2026-07-01. Review status: criteria provided, single submitter. Criteria: Genomenon Sequence Variant Interpretation Standards - Updated. Collection method: curation. Allele origin: germline. Affected: yes. Not counted in ClinVar's aggregate classification.
Comment: GAA p.Ser325GlufsTer5 (c.971dup) is a frameshift variant that is predicted to introduce a premature termination codon and result in a truncated or absent protein product. This variant has been observed in at least one proband with a GAA-related disorder (PMID:28394184). It is absent or not present at a significant frequency in gnomAD. In conclusion, we classify GAA p.Ser325GlufsTer5 (c.971dup) as a pathogenic variant.

Literature cited by the submitters: PubMed 28394184 (cited by Genomenon, Inc).

NM_000152.5(GAA):c.971dup (p.Ser325fs)

Gene: GAA (alpha glucosidase; plus strand). Cytogenetic location: 17q25.3.
Variant type: Duplication.
Coding change: c.971dup on transcript NM_000152.5 (MANE Select); coding-DNA position 971, one base duplicated (C; older notation c.971dupC).
Protein change: p.Ser325fs; shifts the reading frame from serine 325.
Molecular consequence: frameshift variant.
Genome position (GRCh38, 1-based): chr17:80,108,305, C duplicated; the last of 2 consecutive C bases (chr17:80,108,304-80,108,305); duplicating either gives the same sequence. VCF-style (leftmost placement, unchanged base first): chr17-80108303-G-GC. GRCh37 (hg19) VCF-style: chr17-78082102-G-GC.
Other names: NM_001079804.3:c.971dup; NM_000152.5(GAA):c.971dup; p.Ser325fs; c.971dup, p.Ser325fs (NM_001079803.3, NM_001079804.3); short protein forms S325fs.
Identifiers: ClinVar variation 1327501 (VCV001327501.5), dbSNP rs2143852733, ClinGen allele CA1585329339.
Genomic context (GRCh38, chr17:80,108,303, plus strand): 5'-CCAAGTGAAGAATCTGTCCCCCAACCCCAGAGCTGCTTCCCTTCCAGATGTGGTCCTGCA[G>GC]CCGAGCCCTGCCCTTAGCTGGAGGTCGACAGGTGGGATCCTGGATGTCTACATCTTCCTG-3'